The following is an entry in ClinVar:

NM_001868.4(CPA1):c.442A>T (p.Ile148Phe)

Gene: CPA1 (carboxypeptidase A1; plus strand). Cytogenetic location: 7q32.2.
Variant type: single nucleotide variant.
Coding change: c.442A>T on transcript NM_001868.4 (MANE Select); coding-DNA position 442, A replaced by T.
Protein change: p.Ile148Phe; replaces isoleucine 148 with phenylalanine.
Molecular consequence: missense variant.
Genome position (GRCh38, 1-based): chr7:130,382,168, A>T. VCF-style: chr7-130382168-A-T. GRCh37 (hg19) VCF-style: chr7-130022009-A-T.
Other names: short protein forms I148F.
Identifiers: ClinVar variation 4233076 (VCV004233076.1).

ClinVar aggregate classification (germline): Uncertain significance (1 of 4 stars; one submission).

Conditions:
Hereditary pancreatitis (PCTT). Also called: Hereditary chronic pancreatitis; PRSS1-Related Hereditary Pancreatitis. Identifiers: Orphanet 676, MedGen C0238339, MONDO:0008185, OMIM 167800.

Submission:

Ambry Genetics
Classification: Uncertain significance for Hereditary pancreatitis. Last evaluated: 2025-06-15. Review status: criteria provided, single submitter. Criteria: Ambry Variant Classification Scheme 2023. Collection method: clinical testing. Allele origin: germline.
Comment: The p.I148F variant (also known as c.442A>T), located in coding exon 4 of the CPA1 gene, results from an A to T substitution at nucleotide position 442. The isoleucine at codon 148 is replaced by phenylalanine, an amino acid with highly similar properties. This amino acid position is conserved. In addition, the in silico prediction for this alteration is inconclusive. Based on the available evidence, the clinical significance of this variant remains unclear.